The following is an entry in ClinVar:

ClinVar aggregate classification (germline): Uncertain significance (1 of 4 stars; one submission).

gnomAD v4.1: 42 of 1,607,478 alleles (0.0026%); highest among the groups gnomAD compares: Non-Finnish European, 0.0029%; no homozygotes.

Submission:

Women's Health and Genetics/Laboratory Corporation of America, LabCorp
Classification: Uncertain significance. Last evaluated: 2025-11-10. Review status: criteria provided, single submitter. Criteria: LabCorp Variant Classification Summary - May 2015. Collection method: clinical testing. Allele origin: germline.
Comment: Variant summary: VPS13A c.6774+6C>T alters a non-conserved nucleotide located close to a canonical splice site and therefore could affect mRNA splicing, leading to a significantly altered protein sequence. Consensus agreement among computation tools predict no significant impact on normal splicing. However, these predictions have yet to be confirmed by functional studies. The variant allele was found at a frequency of 1.2e-05 in 243086 control chromosomes. The available data on variant occurrences in the general population are insufficient to allow any conclusion about variant significance. To our knowledge, no occurrence of c.6774+6C>T in individuals affected with VPS13A-related conditions and no experimental evidence demonstrating its impact on protein function have been reported. No submitters have cited clinical-significance assessments for this variant to ClinVar. Based on the evidence outlined above, the variant was classified as uncertain significance.

NM_033305.3(VPS13A):c.6774+6C>T

Gene: VPS13A (vacuolar protein sorting 13 homolog A; plus strand). Cytogenetic location: 9q21.2.
Variant type: single nucleotide variant.
Coding change: c.6774+6C>T on transcript NM_033305.3 (MANE Select); 6 bases into the intron after coding-DNA position 6774, C replaced by T.
Molecular consequence: intron variant.
Genome position (GRCh38, 1-based): chr9:77,339,917, C>T. VCF-style: chr9-77339917-C-T. GRCh37 (hg19) VCF-style: chr9-79954833-C-T.
Other names: c.6657+6C>T (NM_001018037.2); c.6774+6C>T (NM_015186.4, NM_001018038.3).
Identifiers: ClinVar variation 4536925 (VCV004536925.1).